The following is an entry in ClinVar:

NM_005502.4(ABCA1):c.5649A>G (p.Ala1883=)

Gene: ABCA1 (ATP binding cassette subfamily A member 1; minus strand). Cytogenetic location: 9q31.1.
Variant type: single nucleotide variant.
Coding change: c.5649A>G on transcript NM_005502.4 (MANE Select); coding-DNA position 5649, A replaced by G.
Protein change: p.Ala1883=; no amino-acid change (alanine 1883 retained).
Molecular consequence: synonymous variant.
Genome position (GRCh38, 1-based): chr9:104,792,894, T>C on the plus strand (A>G on the coding strand, the complement: ABCA1 is on the minus strand). VCF-style: chr9-104792894-T-C. GRCh37 (hg19) VCF-style: chr9-107555175-T-C.
Identifiers: ClinVar variation 914263 (VCV000914263.13), dbSNP rs148253245, ClinGen allele CA5167767.

ClinVar aggregate classification (germline): Conflicting classifications of pathogenicity. Review status: criteria provided, conflicting classifications (1 of 4 stars). 4 submissions from 3 submitters: Uncertain significance (1); Benign (1); Likely benign (2). Last evaluated 2025-12-31.

Conditions:
Cardiovascular phenotype. Identifiers: MedGen CN230736.
Hypoalphalipoproteinemia, primary, 1. Identifiers: Orphanet 425, MedGen C5231558, MONDO:0011393, OMIM 604091.
Tangier disease (TGD). Also called: HIGH DENSITY LIPOPROTEIN DEFICIENCY, TANGIER TYPE; HIGH DENSITY LIPOPROTEIN DEFICIENCY, TYPE 1; Cholesterol thesaurismosis. Identifiers: Orphanet 31150, MedGen C0039292, MONDO:0008783, OMIM 205400.

Allele frequency attached by ClinVar (database versions not stated): gnomAD exomes 0.00001 and 0.00005; ExAC 0.00007; ESP Exome Variant Server 0.00008; gnomAD 0.00011 and 0.00014; TOPMed 0.00011.
gnomAD v4.1: 66 of 1,614,048 alleles (0.0041%); highest among the groups gnomAD compares: African/African-American, 0.029%; 2 homozygotes.

Submissions (4):

Labcorp Genetics (formerly Invitae), Labcorp
Classification: Likely benign. Last evaluated: 2025-12-31. Review status: criteria provided, single submitter. Criteria: Invitae Variant Classification Sherloc (09022015). Collection method: clinical testing. Allele origin: germline.

Ambry Genetics
Classification: Likely benign for Cardiovascular phenotype. Last evaluated: 2022-03-21. Review status: criteria provided, single submitter. Criteria: Ambry Variant Classification Scheme 2023. Collection method: clinical testing. Allele origin: germline.

Illumina Laboratory Services, Illumina
Classification: Uncertain significance for Tangier disease. Last evaluated: 2018-01-13. Review status: criteria provided, single submitter. Criteria: ICSL Variant Classification Criteria 13 December 2019. Collection method: clinical testing. Allele origin: germline.

Illumina Laboratory Services, Illumina
Classification: Benign for Hypoalphalipoproteinemia, primary, 1. Last evaluated: 2018-01-13. Review status: criteria provided, single submitter. Criteria: ICSL Variant Classification Criteria 13 December 2019. Collection method: clinical testing. Allele origin: germline.
Comment: This variant was observed in the ICSL laboratory as part of a predisposition screen in an ostensibly healthy population. It had not been previously curated by ICSL or reported in the Human Gene Mutation Database (HGMD: prior to June 1st, 2018), and was therefore a candidate for classification through an automated scoring system. Utilizing variant allele frequency, disease prevalence and penetrance estimates, and inheritance mode, an automated score was calculated to assess if this variant is too frequent to cause the disease. Based on the score and internal cut-off values, a variant classified as benign is not then subjected to further curation. The score for this variant resulted in a classification of benign for this disease.